The following is an entry in ClinVar:

NM_014141.6(CNTNAP2):c.2269G>T (p.Gly757Cys)

Gene: CNTNAP2 (contactin associated protein 2; plus strand). Cytogenetic location: 7q35.
Variant type: single nucleotide variant.
Coding change: c.2269G>T on transcript NM_014141.6 (MANE Select); coding-DNA position 2269, G replaced by T.
Protein change: p.Gly757Cys; replaces glycine 757 with cysteine.
Molecular consequence: missense variant.
Genome position (GRCh38, 1-based): chr7:147,977,875, G>T. VCF-style: chr7-147977875-G-T. GRCh37 (hg19) VCF-style: chr7-147674967-G-T.
Other names: p.G757C:GGT>TGT; short protein forms G757C.
Identifiers: ClinVar variation 205262 (VCV000205262.2), dbSNP rs755268329, ClinGen allele CA314158.

ClinVar aggregate classification (germline): Uncertain significance (1 of 4 stars; one submission).

Allele frequency attached by ClinVar (database versions not stated): TOPMed below 0.00001.

Submission:

GeneDx
Classification: Uncertain significance. Last evaluated: 2014-09-05. Review status: criteria provided, single submitter. Criteria: GeneDx Variant Classification (06012015). Collection method: clinical testing. Allele origin: germline. Affected: yes.
Comment: p.Gly757Cys (GGT>TGT): c.2269 G>T in exon 15 of the CNTNAP2 gene (NM_014141.5). The G757C variant has not been published as a mutation, nor has it been reported as a benign polymorphism to our knowledge. It was not observed in approximately 6,500 individuals of European and African American ancestry in the NHLBI Exome Sequencing Project, indicating it is not a common benign variant in these populations. The G757C variant is a non-conservative amino acid substitution, which is likely to impact secondary protein structure as these residues differ in polarity, charge, size and/or other properties. This substitution occurs at a position that is highly conserved across species, and in silico analysis predicts the G757C variant is probably damaging to the protein structure/function. However, other missense mutations in nearby residues have not been reported. Therefore, based on the currently available information, it is unclear whether this variant is a pathogenic mutation or a rare benign variant. The variant is found in EPILEPSY panel(s).